The following is an entry in ClinVar:

ClinVar aggregate classification (germline): Benign. Review status: criteria provided, multiple submitters, no conflicts (2 of 4 stars). 2 submissions from 2 submitters: Benign (2). Last evaluated 2018-06-14.

Allele frequency attached by ClinVar (database versions not stated): gnomAD 0.13398 and 0.13443; TOPMed 0.13651; 1000 Genomes Project 0.15515; 1000 Genomes Project 30x 0.15740.
gnomAD v4.1: 128,691 of 1,009,934 alleles (13%); highest among the groups gnomAD compares: East Asian, 27%; 9,170 homozygotes.

Submissions (2):

GeneDx
Classification: Benign. Last evaluated: 2018-06-14. Review status: criteria provided, single submitter. Criteria: GeneDx Variant Classification (06012015). Collection method: clinical testing. Allele origin: germline. Affected: yes.
Comment: This variant is considered likely benign or benign based on one or more of the following criteria: it is a conservative change, it occurs at a poorly conserved position in the protein, it is predicted to be benign by multiple in silico algorithms, and/or has population frequency not consistent with disease.

Breakthrough Genomics
Classification: Benign. Review status: criteria provided, single submitter. Criteria: ACMG Guidelines, 2015. Collection method: not provided. Allele origin: germline. Inheritance: Autosomal recessive inheritance. Affected: yes.

NM_001848.3(COL6A1):c.1399-111A>G

Gene: COL6A1 (collagen type VI alpha 1 chain; plus strand). Cytogenetic location: 21q22.3.
Variant type: single nucleotide variant.
Coding change: c.1399-111A>G on transcript NM_001848.3 (MANE Select); 111 bases into the intron before coding-DNA position 1399, A replaced by G.
Molecular consequence: intron variant.
Genome position (GRCh38, 1-based): chr21:45,997,310, A>G. VCF-style: chr21-45997310-A-G. GRCh37 (hg19) VCF-style: chr21-47417224-A-G.
Identifiers: ClinVar variation 679941 (VCV000679941.2), dbSNP rs9979532, ClinGen allele CA14899432.